The following is an entry in ClinVar:

NM_006231.4(POLE):c.4589A>G (p.Tyr1530Cys)

Gene: POLE (DNA polymerase epsilon, catalytic subunit; minus strand). Cytogenetic location: 12q24.33.
Variant type: single nucleotide variant.
Coding change: c.4589A>G on transcript NM_006231.4 (MANE Select); coding-DNA position 4589, A replaced by G.
Protein change: p.Tyr1530Cys; replaces tyrosine 1530 with cysteine.
Molecular consequence: missense variant.
Genome position (GRCh38, 1-based): chr12:132,642,959, T>C on the plus strand (A>G on the coding strand, the complement: POLE is on the minus strand). VCF-style: chr12-132642959-T-C. GRCh37 (hg19) VCF-style: chr12-133219545-T-C.
Other names: c.4589A>G (NM_006231.2); short protein forms Y1530C.
Identifiers: ClinVar variation 572100 (VCV000572100.15), dbSNP rs761715703, ClinGen allele CA6892768.

ClinVar aggregate classification (germline): Uncertain significance. Review status: criteria provided, multiple submitters, no conflicts (2 of 4 stars). 3 submissions from 3 submitters: Uncertain significance (3). Last evaluated 2024-08-02.

Conditions:
Hereditary cancer-predisposing syndrome. Also called: Hereditary neoplastic syndrome; Tumor predisposition; Neoplastic Syndromes, Hereditary; Hereditary Cancer Syndrome. Identifiers: Orphanet 140162, MedGen C0027672, MeSH D009386, MONDO:0015356.

Allele frequency attached by ClinVar (database versions not stated): gnomAD exomes 0.00002; ExAC 0.00003.
gnomAD v4.1: 14 of 1,602,378 alleles (0.00087%); highest among the groups gnomAD compares: South Asian, 0.013%; no homozygotes.

Submissions (3):

Ambry Genetics
Classification: Uncertain significance for Hereditary cancer-predisposing syndrome. Last evaluated: 2024-08-02. Review status: criteria provided, single submitter. Criteria: Ambry Variant Classification Scheme 2023. Collection method: clinical testing. Allele origin: germline.
Comment: The p.Y1530C variant (also known as c.4589A>G), located in coding exon 36 of the POLE gene, results from an A to G substitution at nucleotide position 4589. The tyrosine at codon 1530 is replaced by cysteine, an amino acid with highly dissimilar properties. This amino acid position is conserved. In addition, the in silico prediction for this alteration is inconclusive. Since supporting evidence is limited at this time, the clinical significance of this alteration remains unclear.

Labcorp Genetics (formerly Invitae), Labcorp
Classification: Uncertain significance. Last evaluated: 2024-03-14. Review status: criteria provided, single submitter. Criteria: Invitae Variant Classification Sherloc (09022015). Collection method: clinical testing. Allele origin: germline.
Comment: This sequence change replaces tyrosine, which is neutral and polar, with cysteine, which is neutral and slightly polar, at codon 1530 of the POLE protein (p.Tyr1530Cys). This variant is present in population databases (rs761715703, gnomAD 0.02%). This variant has not been reported in the literature in individuals affected with POLE-related conditions. ClinVar contains an entry for this variant (Variation ID: 572100). Advanced modeling of protein sequence and biophysical properties (such as structural, functional, and spatial information, amino acid conservation, physicochemical variation, residue mobility, and thermodynamic stability) performed at Invitae indicates that this missense variant is not expected to disrupt POLE protein function with a negative predictive value of 80%. In summary, the available evidence is currently insufficient to determine the role of this variant in disease. Therefore, it has been classified as a Variant of Uncertain Significance.

GeneDx
Classification: Uncertain significance. Last evaluated: 2022-08-30. Review status: criteria provided, single submitter. Criteria: GeneDx Variant Classification Process June 2021. Collection method: clinical testing. Allele origin: germline. Affected: yes.
Comment: In silico analysis, which includes protein predictors and evolutionary conservation, supports a deleterious effect; Has not been previously published as pathogenic or benign to our knowledge